The following is an entry in ClinVar:

ClinVar aggregate classification (germline): Uncertain significance (1 of 4 stars; one submission).

Allele frequency attached by ClinVar (database versions not stated): gnomAD 0.00001 and 0.00002; ExAC 0.00002; gnomAD exomes 0.00003 and 0.00006; ESP Exome Variant Server 0.00008.

Submission:

Labcorp Genetics (formerly Invitae), Labcorp
Classification: Uncertain significance. Last evaluated: 2023-11-29. Review status: criteria provided, single submitter. Criteria: Invitae Variant Classification Sherloc (09022015). Collection method: clinical testing. Allele origin: germline.
Comment: This sequence change replaces lysine, which is basic and polar, with glutamic acid, which is acidic and polar, at codon 1559 of the PTPN23 protein (p.Lys1559Glu). This variant is present in population databases (rs201972539, gnomAD 0.01%). This variant has not been reported in the literature in individuals affected with PTPN23-related conditions. ClinVar contains an entry for this variant (Variation ID: 1522838). Algorithms developed to predict the effect of missense changes on protein structure and function output the following: SIFT: "Not Available"; PolyPhen-2: "Not Available"; Align-GVGD: "Not Available". The glutamic acid amino acid residue is found in multiple mammalian species, which suggests that this missense change does not adversely affect protein function. In summary, the available evidence is currently insufficient to determine the role of this variant in disease. Therefore, it has been classified as a Variant of Uncertain Significance.

NM_015466.4(PTPN23):c.4675A>G (p.Lys1559Glu)

Gene: PTPN23 (protein tyrosine phosphatase non-receptor type 23; plus strand). Cytogenetic location: 3p21.31.
Variant type: single nucleotide variant.
Coding change: c.4675A>G on transcript NM_015466.4 (MANE Select); coding-DNA position 4675, A replaced by G.
Protein change: p.Lys1559Glu; replaces lysine 1559 with glutamic acid.
Molecular consequence: missense variant.
Genome position (GRCh38, 1-based): chr3:47,412,949, A>G. VCF-style: chr3-47412949-A-G. GRCh37 (hg19) VCF-style: chr3-47454439-A-G.
Other names: c.4297A>G, p.Lys1433Glu (NM_001304482.2); short protein forms K1433E, K1559E.
Identifiers: ClinVar variation 1522838 (VCV001522838.4), dbSNP rs201972539, ClinGen allele CA2366679.